The following is an entry in ClinVar:

ClinVar aggregate classification (germline): Uncertain significance (1 of 4 stars; one submission).

Submission:

Labcorp Genetics (formerly Invitae), Labcorp
Classification: Uncertain significance. Last evaluated: 2023-12-09. Review status: criteria provided, single submitter. Criteria: Invitae Variant Classification Sherloc (09022015). Collection method: clinical testing. Allele origin: germline.
Comment: This sequence change replaces phenylalanine, which is neutral and non-polar, with tyrosine, which is neutral and polar, at codon 14 of the HOMER2 protein (p.Phe14Tyr). This variant is not present in population databases (gnomAD no frequency). This variant has not been reported in the literature in individuals affected with HOMER2-related conditions. An algorithm developed to predict the effect of missense changes on protein structure and function (PolyPhen-2) suggests that this variant is likely to be disruptive. In summary, the available evidence is currently insufficient to determine the role of this variant in disease. Therefore, it has been classified as a Variant of Uncertain Significance.

NM_004839.4(HOMER2):c.41T>A (p.Phe14Tyr)

Gene: HOMER2 (homer scaffold protein 2; minus strand). Cytogenetic location: 15q25.2.
Variant type: single nucleotide variant.
Coding change: c.41T>A on transcript NM_004839.4 (MANE Select); coding-DNA position 41, T replaced by A.
Protein change: p.Phe14Tyr; replaces phenylalanine 14 with tyrosine.
Molecular consequence: missense variant.
Genome position (GRCh38, 1-based): chr15:82,892,806, A>T on the plus strand (T>A on the coding strand, the complement: HOMER2 is on the minus strand). VCF-style: chr15-82892806-A-T. GRCh37 (hg19) VCF-style: chr15-83561558-A-T.
Other names: c.41T>A, p.Phe14Tyr (NM_199330.3); short protein forms F14Y.
Identifiers: ClinVar variation 2701827 (VCV002701827.3), dbSNP rs2505464118, ClinGen allele CA393415799.
Genomic context (GRCh38, chr15:82,892,806, plus strand): 5'-ACGGTGACCGCCTGCTTGCTCGCAGGCATCCAGTTCTTCTTGGTGTTGGGGTCAATCTGG[A>T]AGACATGCGCTCGGGTGGTGAAGATGGGCTGTTCTCTGCAATAAGAGAGTGGGCGTGTGA-3'
Protein context (NP_004830.2, residues 4-24): QPIFTTRAHV[Phe14Tyr]QIDPNTKKNW